The following is an entry in ClinVar:

ClinVar aggregate classification (germline): Conflicting classifications of pathogenicity. Review status: criteria provided, conflicting classifications (1 of 4 stars). 4 submissions from 4 submitters: Uncertain significance (1); Benign (2). 1 of the submissions does not count toward it. Last evaluated 2025-10-26.

Conditions:
MYO3A-related disorder. Also called: MYO3A-related condition.
Autosomal recessive nonsyndromic hearing loss 30. Identifiers: Orphanet 90636, MedGen C1846784, MONDO:0011774, OMIM 607101.

Allele frequency attached by ClinVar (database versions not stated): gnomAD 0.00005 and 0.00057; TOPMed 0.00011; gnomAD exomes 0.00220; ExAC 0.00240; 1000 Genomes Project 0.00300; 1000 Genomes Project 30x 0.00328.
gnomAD v4.1: 1,680 of 1,612,890 alleles (0.1%); highest among the groups gnomAD compares: South Asian, 1.7%; 32 homozygotes.

Submissions (4):

Labcorp Genetics (formerly Invitae), Labcorp
Classification: Benign. Last evaluated: 2025-10-26. Review status: criteria provided, single submitter. Criteria: Invitae Variant Classification Sherloc (09022015). Collection method: clinical testing. Allele origin: germline.

Illumina Laboratory Services, Illumina
Classification: Uncertain significance for Autosomal recessive nonsyndromic hearing loss 30. Last evaluated: 2018-01-13. Review status: criteria provided, single submitter. Criteria: ICSL Variant Classification Criteria 13 December 2019. Collection method: clinical testing. Allele origin: germline.

Laboratory for Molecular Medicine, Mass General Brigham Personalized Medicine
Classification: Benign. Last evaluated: 2015-07-01. Review status: criteria provided, single submitter. Criteria: LMM Criteria. Collection method: clinical testing. Allele origin: germline. Observed: 2 variant alleles.
Comment: c.3133G>A (p.Val1045Met) in exon 28 of MYO3A: This variant is not expected to ha ve clinical significance because it has been identified in 1.72% (283/16482) of South Asian chromosomes by the Exome Aggregation Consortium (ExAC; dbSNP rs35447806).

PreventionGenetics, part of Exact Sciences
Classification: Benign for MYO3A-related condition. Last evaluated: 2019-06-15. Review status: no assertion criteria provided. Collection method: clinical testing. Allele origin: germline. Not counted in ClinVar's aggregate classification.
Comment: This variant is classified as benign based on ACMG/AMP sequence variant interpretation guidelines (Richards et al. 2015 PMID: 25741868, with internal and published modifications).

NM_017433.5(MYO3A):c.3133G>A (p.Val1045Met)

Gene: MYO3A (myosin IIIA; plus strand). Cytogenetic location: 10p12.1.
Variant type: single nucleotide variant.
Coding change: c.3133G>A on transcript NM_017433.5 (MANE Select); coding-DNA position 3133, G replaced by A.
Protein change: p.Val1045Met; replaces valine 1045 with methionine.
Molecular consequence: missense variant.
Genome position (GRCh38, 1-based): chr10:26,168,733, G>A. VCF-style: chr10-26168733-G-A. GRCh37 (hg19) VCF-style: chr10-26457662-G-A.
Other names: short protein forms V1045M.
Identifiers: ClinVar variation 226795 (VCV000226795.18), dbSNP rs35447806, ClinGen allele CA5445189.